The following is an entry in ClinVar:

ClinVar aggregate classification (germline): Uncertain significance (1 of 4 stars; one submission).

Conditions:
Mucopolysaccharidosis-plus syndrome. Also called: Mucopolysaccharidosis-like syndrome with congenital heart defects and hematopoietic disorders. Identifiers: Orphanet 505248, MedGen C4310627, MONDO:0015012, OMIM 617303.

Allele frequency attached by ClinVar (database versions not stated): ExAC 0.00001; gnomAD exomes 0.00001.

Submission:

Baylor Genetics
Classification: Uncertain significance for Mucopolysaccharidosis-plus syndrome. Last evaluated: 2020-01-20. Review status: criteria provided, single submitter. Criteria: ACMG Guidelines, 2015. Collection method: clinical testing. Allele origin: unknown. Affected: yes.
Comment: This variant was determined to be of uncertain significance according to ACMG Guidelines, 2015 [PMID:25741868].

NM_022916.6(VPS33A):c.1420A>G (p.Met474Val)

Gene: VPS33A (VPS33A core subunit of CORVET and HOPS complexes; minus strand). Cytogenetic location: 12q24.31.
Variant type: single nucleotide variant.
Coding change: c.1420A>G on transcript NM_022916.6 (MANE Select); coding-DNA position 1420, A replaced by G.
Protein change: p.Met474Val; replaces methionine 474 with valine.
Molecular consequence: missense variant.
Genome position (GRCh38, 1-based): chr12:122,235,806, T>C on the plus strand (A>G on the coding strand, the complement: VPS33A is on the minus strand). VCF-style: chr12-122235806-T-C. GRCh37 (hg19) VCF-style: chr12-122720353-T-C.
Other names: c.1387A>G, p.Met463Val (NM_001351018.2); c.1372A>G, p.Met458Val (NM_001351019.2); c.1099A>G, p.Met367Val (NM_001351020.2); short protein forms M463V, M367V, M458V, M474V.
Identifiers: ClinVar variation 1029869 (VCV001029869.1), dbSNP rs771083966, ClinGen allele CA6844328.